The following is an entry in ClinVar:

ClinVar aggregate classification (germline): Uncertain significance (1 of 4 stars; one submission).

Conditions:
Developmental and epileptic encephalopathy, 1 (DEE1). Also called: X-linked infantile spasms; West's syndrome; Tonic spasms with clustering, arrest of psychomotor development and hypsarrhythmia on EEG; X-Linked Infantile Spasm Syndrome; OHTAHARA SYNDROME, X-LINKED; Epileptic encephalopathy, early infantile, 1. Identifiers: MedGen C3463992, MONDO:0010632, OMIM 308350. Disease mechanism: loss of function.
Autosomal dominant nonsyndromic hearing loss 65. Also called: Deafness, autosomal dominant 65; TBC1D24-Related Autosomal Dominant Nonsyndromic Hearing Loss (DFNA). Identifiers: Orphanet 90635, MedGen C3892048, MONDO:0014470, OMIM 616044.

Allele frequency attached by ClinVar (database versions not stated): ExAC 0.00001; TOPMed 0.00002; gnomAD 0.00003 and 0.00002; gnomAD exomes below 0.00001; ESP Exome Variant Server 0.00008.
gnomAD v4.1: 5 of 1,611,540 alleles (0.00031%); highest among the groups gnomAD compares: African/African-American, 0.0053%; no homozygotes.

Submission:

Labcorp Genetics (formerly Invitae), Labcorp
Classification: Uncertain significance for Developmental and epileptic encephalopathy, 1; Autosomal dominant nonsyndromic hearing loss 65. Last evaluated: 2023-11-06. Review status: criteria provided, single submitter. Criteria: Invitae Variant Classification Sherloc (09022015). Collection method: clinical testing. Allele origin: germline.
Comment: This sequence change replaces arginine, which is basic and polar, with lysine, which is basic and polar, at codon 351 of the TBC1D24 protein (p.Arg351Lys). The frequency data for this variant in the population databases is considered unreliable, as metrics indicate poor data quality at this position in the gnomAD database. This variant has not been reported in the literature in individuals affected with TBC1D24-related conditions. ClinVar contains an entry for this variant (Variation ID: 971706). Advanced modeling of protein sequence and biophysical properties (such as structural, functional, and spatial information, amino acid conservation, physicochemical variation, residue mobility, and thermodynamic stability) performed at Invitae indicates that this missense variant is not expected to disrupt TBC1D24 protein function with a negative predictive value of 80%. In summary, the available evidence is currently insufficient to determine the role of this variant in disease. Therefore, it has been classified as a Variant of Uncertain Significance.

NM_001199107.2(TBC1D24):c.1052G>A (p.Arg351Lys)

Gene: TBC1D24 (TBC1 domain family member 24; plus strand). Cytogenetic location: 16p13.3.
Variant type: single nucleotide variant.
Coding change: c.1052G>A on transcript NM_001199107.2 (MANE Select); coding-DNA position 1052, G replaced by A.
Protein change: p.Arg351Lys; replaces arginine 351 with lysine.
Molecular consequence: missense variant.
Genome position (GRCh38, 1-based): chr16:2,498,306, G>A. VCF-style: chr16-2498306-G-A. GRCh37 (hg19) VCF-style: chr16-2548307-G-A.
Other names: c.1034G>A, p.Arg345Lys (NM_020705.3); short protein forms R345K, R351K.
Identifiers: ClinVar variation 971706 (VCV000971706.10), dbSNP rs375571181, ClinGen allele CA7844146.